The following is an entry in ClinVar:

NM_018406.7(MUC4):c.8028T>C (p.Thr2676=)

Gene: MUC4 (mucin 4, cell surface associated). Cytogenetic location: 3q29.
Variant type: single nucleotide variant.
Coding change: c.8028T>C on transcript NM_018406.7 (MANE Select); coding-DNA position 8028, T replaced by C.
Protein change: p.Thr2676=; no amino-acid change (threonine 2676 retained).
Molecular consequence: synonymous variant. On other transcripts: no sequence alteration (1), genic upstream transcript variant (2).
Genome position (GRCh38, 1-based): chr3:195,783,552, A>G on the plus strand (T>C on the coding strand, the complement: MUC4 is on the minus strand). VCF-style: chr3-195783552-A-G. GRCh37 (hg19) VCF-style: chr3-195510423-A-G.
Other names: c.11595=, p.Thr3865= (NM_001322468.1); c.83-9247T>C (NM_138297.5); c.83-5097T>C (NM_004532.6).
Identifiers: ClinVar variation 2654458 (VCV002654458.24), dbSNP rs1191475594, ClinGen allele CA2771909.
Genomic context (GRCh38, chr3:195,783,552, plus strand): 5'-TGAGGAAGTGTCGGTGACAGGAAGAGAGGTGGCATGACCGGTGGATGCTGAGGAAGGGCT[A>G]GTGACAGGAAGAGGCGTGGTGTCACCTGTGGATACTGAGGAAAGGCTGGTGACAGGAAGA-3'
Protein context (NP_060876.5, residues 2666-2686): STGDTTPLPV[Thr2676=]SPSSASTGHA

ClinVar aggregate classification (germline): Likely benign (1 of 4 stars; one submission).

Allele frequency attached by ClinVar (database versions not stated): gnomAD exomes 0.00195; ExAC 0.02632.

Submission:

CeGaT Center for Human Genetics Tuebingen
Classification: Likely benign. Last evaluated: 2023-01-01. Review status: criteria provided, single submitter. Criteria: CeGaT Center For Human Genetics Tuebingen Variant Classification Criteria Version 2. Collection method: clinical testing. Allele origin: germline. Affected: yes. Observed: 1 variant allele.
Comment: MUC4: BP4, BP7